The following is an entry in ClinVar:

NM_001211.6(BUB1B):c.916A>G (p.Asn306Asp)

Gene: BUB1B (BUB1 mitotic checkpoint serine/threonine kinase B; plus strand). Cytogenetic location: 15q15.1.
Variant type: single nucleotide variant.
Coding change: c.916A>G on transcript NM_001211.6 (MANE Select); coding-DNA position 916, A replaced by G.
Protein change: p.Asn306Asp; replaces asparagine 306 with aspartic acid.
Molecular consequence: missense variant.
Genome position (GRCh38, 1-based): chr15:40,185,329, A>G. VCF-style: chr15-40185329-A-G. GRCh37 (hg19) VCF-style: chr15-40477530-A-G.
Other names: short protein forms N306D.
Identifiers: ClinVar variation 1766024 (VCV001766024.2), dbSNP rs2542535701, ClinGen allele CA391684644.

ClinVar aggregate classification (germline): Uncertain significance (1 of 4 stars; one submission).

Conditions:
Inborn genetic diseases. Identifiers: MedGen C0950123, MeSH D030342.

Submission:

Ambry Genetics
Classification: Uncertain significance for Inborn genetic diseases. Last evaluated: 2021-11-22. Review status: criteria provided, single submitter. Criteria: Ambry Variant Classification Scheme 2023. Collection method: clinical testing. Allele origin: germline.
Comment: The p.N306D variant (also known as c.916A>G), located in coding exon 7 of the BUB1B gene, results from an A to G substitution at nucleotide position 916. The asparagine at codon 306 is replaced by aspartic acid, an amino acid with highly similar properties. This amino acid position is conserved. In addition, this alteration is predicted to be tolerated by in silico analysis. Since supporting evidence is limited at this time, the clinical significance of this alteration remains unclear.